The following is an entry in ClinVar:

NM_033305.3(VPS13A):c.495+4_495+7del

Gene: VPS13A (vacuolar protein sorting 13 homolog A; plus strand). Cytogenetic location: 9q21.2.
Variant type: Deletion.
Coding change: c.495+4_495+7del on transcript NM_033305.3 (MANE Select); bases 4 to 7 of the intron after coding-DNA position 495, 4 bases deleted (AGTA; older notation c.495+4_495+7delAGTA).
Molecular consequence: splice donor variant.
Genome position (GRCh38, 1-based): chr9:77,209,536-77,209,539, AGTA deleted; deleting any 4 consecutive bases within chr9:77,209,533-77,209,539 gives the same sequence; the c. name uses the placement nearest the transcript's 3' end. VCF-style (leftmost placement, unchanged base first): chr9-77209532-TGTAA-T. GRCh37 (hg19) VCF-style: chr9-79824448-TGTAA-T.
Other names: c.495+4_495+7del (NM_001018037.2, NM_015186.4, NM_001018038.3).
Identifiers: ClinVar variation 3367158 (VCV003367158.2).

ClinVar aggregate classification (germline): Uncertain significance (1 of 4 stars; one submission).

Conditions:
VPS13A-related neurodegenerative disease. Also called: LEVINE-CRITCHLEY SYNDROME; Choreoacanthocytosis; Chorea-acanthocytosis; ACANTHOCYTOSIS WITH NEUROLOGIC DISORDER; VPS13A Disease; Choreaacanthocytosis. Identifiers: Orphanet 2388, MedGen C0393576, MONDO:0008695, OMIM 200150.

Submission:

Kasturba Medical College, Manipal, Kasturba Medical College, Manipal, Manipal Academy of Higher Education, Manipal, India
Classification: Uncertain significance for VPS13A-related neurodegenerative disease. Review status: criteria provided, single submitter. Criteria: ACMG Guidelines, 2015. Collection method: clinical testing. Allele origin: biparental. Inheritance: Autosomal recessive inheritance. Affected: yes. Observed: 1 homozygote.
Comment: In-silico analysis tools (SpliceAI) predict that this variant likely impairs splicing. This canonical splice-site variant probably results in either the formation of a truncated protein product or the transcript undergoing nonsense-mediated mRNA decay. Biallelic loss-of-function variants in VPS13A have been reported to cause choreoacanthocytosis. The clinical features observed in the proband are in concordance with choreoacanthocytosis. Thus, above-mentioned variant is the likely cause for the phenotypes observed in him.